The following is an entry in ClinVar:

NM_003052.5(SLC34A1):c.421G>A (p.Ala141Thr)

Gene: SLC34A1 (solute carrier family 34 member 1; plus strand). Cytogenetic location: 5q35.3.
Variant type: single nucleotide variant.
Coding change: c.421G>A on transcript NM_003052.5 (MANE Select); coding-DNA position 421, G replaced by A.
Protein change: p.Ala141Thr; replaces alanine 141 with threonine.
Molecular consequence: missense variant.
Genome position (GRCh38, 1-based): chr5:177,386,455, G>A. VCF-style: chr5-177386455-G-A. GRCh37 (hg19) VCF-style: chr5-176813456-G-A.
Other names: c.421G>A, p.Ala141Thr (NM_001167579.2); c.421G>A (NM_003052.4); short protein forms A141T.
Identifiers: ClinVar variation 2186131 (VCV002186131.4), dbSNP rs138719745, ClinGen allele CA3580383.

ClinVar aggregate classification (germline): Uncertain significance. Review status: criteria provided, multiple submitters, no conflicts (2 of 4 stars). 2 submissions from 2 submitters: Uncertain significance (2). Last evaluated 2025-12-09.

Conditions:
Inborn genetic diseases. Identifiers: MedGen C0950123, MeSH D030342.

Allele frequency attached by ClinVar (database versions not stated): gnomAD 0.00004; TOPMed 0.00004; ESP Exome Variant Server 0.00015.
gnomAD v4.1: 42 of 1,614,006 alleles (0.0026%); highest among the groups gnomAD compares: African/African-American, 0.015%; no homozygotes.

Submissions (2):

Ambry Genetics
Classification: Uncertain significance for Inborn genetic diseases. Last evaluated: 2025-12-09. Review status: criteria provided, single submitter. Criteria: Ambry Variant Classification Scheme 2023. Collection method: clinical testing. Allele origin: germline.

Labcorp Genetics (formerly Invitae), Labcorp
Classification: Uncertain significance. Last evaluated: 2024-10-13. Review status: criteria provided, single submitter. Criteria: Invitae Variant Classification Sherloc (09022015). Collection method: clinical testing. Allele origin: germline.
Comment: This sequence change replaces alanine, which is neutral and non-polar, with threonine, which is neutral and polar, at codon 141 of the SLC34A1 protein (p.Ala141Thr). This variant is present in population databases (rs138719745, gnomAD 0.02%). This variant has not been reported in the literature in individuals affected with SLC34A1-related conditions. ClinVar contains an entry for this variant (Variation ID: 2186131). Invitae Evidence Modeling of protein sequence and biophysical properties (such as structural, functional, and spatial information, amino acid conservation, physicochemical variation, residue mobility, and thermodynamic stability) indicates that this missense variant is not expected to disrupt SLC34A1 protein function with a negative predictive value of 80%. In summary, the available evidence is currently insufficient to determine the role of this variant in disease. Therefore, it has been classified as a Variant of Uncertain Significance.